The following is an entry in ClinVar:

NM_001148.6(ANK2):c.5957A>G (p.Glu1986Gly)

Genes: ANK2 (ankyrin 2; plus strand), LOC126807136 (MED14-independent group 3 enhancer GRCh37_chr4:114274931-114276130; plus strand). Cytogenetic location: 4q26.
Variant type: single nucleotide variant.
Coding change: c.5957A>G on transcript NM_001148.6 (MANE Select); coding-DNA position 5957, A replaced by G.
Protein change: p.Glu1986Gly; replaces glutamic acid 1986 with glycine.
Molecular consequence: missense variant. On other transcripts: intron variant (68).
Genome position (GRCh38, 1-based): chr4:113,354,575, A>G. VCF-style: chr4-113354575-A-G. GRCh37 (hg19) VCF-style: chr4-114275731-A-G.
Other names: c.5723A>G, p.Glu1908Gly (NM_001386142.1); c.2357A>G, p.Glu786Gly (NM_001386166.1); c.6098A>G, p.Glu2033Gly (NM_001386174.1); c.6074A>G, p.Glu2025Gly (NM_001386175.1); c.4411+4326A>G (NM_001386186.2, NM_001386148.2); c.4213+4326A>G (NM_001354269.3); c.4291+4326A>G (NM_001386187.2); c.4252+4326A>G (NM_001386147.1); and 35 more; short protein forms E1908G, E1986G, E2025G, E2033G, E786G.
Identifiers: ClinVar variation 1018288 (VCV001018288.6), dbSNP rs1455187261, ClinGen allele CA357921894.

ClinVar aggregate classification (germline): Uncertain significance. Review status: criteria provided, multiple submitters, no conflicts (2 of 4 stars). 2 submissions from 2 submitters: Uncertain significance (2). Last evaluated 2020-06-30.

Conditions:
Long QT syndrome (LQTS). Identifiers: MedGen C0023976, MeSH D008133, MONDO:0002442. Disease mechanism: loss of function. Inheritance: Various modes of inheritance.

Allele frequency attached by ClinVar (database versions not stated): TOPMed below 0.00001; gnomAD 0.00001.
gnomAD v4.1: 1 of 1,613,978 alleles (0.000062%); highest among the groups gnomAD compares: Non-Finnish European, 0.000085%; no homozygotes.

Submissions (2):

Labcorp Genetics (formerly Invitae), Labcorp
Classification: Uncertain significance for Long QT syndrome. Last evaluated: 2020-06-30. Review status: criteria provided, single submitter. Criteria: Invitae Variant Classification Sherloc (09022015). Collection method: clinical testing. Allele origin: germline.
Comment: Algorithms developed to predict the effect of missense changes on protein structure and function are either unavailable or do not agree on the potential impact of this missense change (SIFT: "Deleterious"; PolyPhen-2: "Probably Damaging"; Align-GVGD: "Class C0"). In summary, the available evidence is currently insufficient to determine the role of this variant in disease. Therefore, it has been classified as a Variant of Uncertain Significance. This variant has not been reported in the literature in individuals with ANK2-related conditions. This variant is not present in population databases (ExAC no frequency). This sequence change replaces glutamic acid with glycine at codon 1986 of the ANK2 protein (p.Glu1986Gly). The glutamic acid residue is moderately conserved and there is a moderate physicochemical difference between glutamic acid and glycine.

GeneDx
Classification: Uncertain significance. Last evaluated: 2019-03-11. Review status: criteria provided, single submitter. Criteria: GeneDx Variant Classification Process June 2021. Collection method: clinical testing. Allele origin: germline. Affected: yes.
Comment: Not observed in large population cohorts (Lek et al., 2016); In silico analysis, which includes protein predictors and evolutionary conservation, supports a deleterious effect; Has not been previously published as pathogenic or benign to our knowledge